The following is an entry in ClinVar:

ClinVar aggregate classification (germline): Pathogenic (0 of 4 stars; one submission).

Conditions:
Polycystic kidney disease. Also called: Polycystic kidney dysplasia; Kidney, Polycystic. Identifiers: MedGen C0022680, MeSH D007690, MONDO:0020642, HP:0000113.

Submission:

Department of Pathology and Laboratory Medicine, Sinai Health System
Classification: Pathogenic for Polycystic Kidney disease. Review status: no assertion criteria provided. Collection method: clinical testing. Allele origin: unknown. Affected: yes. Study: The Canadian Open Genetics Repository (COGR).
Comment: The PKD1 c.3295+2T>G variant was not identified in the literature nor was it identified in the dbSNP, ClinVar, LOVD 3.0, ADPKD Mutation Database and PKD1-LOVD databases. The variant was not identified in the following control databases: the Exome Aggregation Consortium (August 8th 2016), or the Genome Aggregation Database (Feb 27, 2017). The c.3295+2T>G variant is predicted to cause abnormal splicing because the nucleotide substitution occurs in the invariant region of the splice consensus sequence. 4 out of 4 in silico or computational prediction software programs (SpliceSiteFinder, MaxEntScan, NNSPLICE, GeneSplicer) predict a greater than 10% difference in splicing. In summary, based on the above information this variant meets our laboratoryâ€šÃ„Ã´s criteria to be classified as pathogenic.

NM_001009944.3(PKD1):c.3295+2T>G

Gene: PKD1 (polycystin 1, transient receptor potential channel interacting; minus strand). Cytogenetic location: 16p13.3.
Variant type: single nucleotide variant.
Coding change: c.3295+2T>G on transcript NM_001009944.3 (MANE Select); the canonical splice donor site of the intron after coding-DNA position 3295, T replaced by G.
Molecular consequence: splice donor variant.
Genome position (GRCh38, 1-based): chr16:2,112,338, A>C on the plus strand (T>G on the coding strand, the complement: PKD1 is on the minus strand). VCF-style: chr16-2112338-A-C. GRCh37 (hg19) VCF-style: chr16-2162339-A-C.
Other names: c.3295+2T>G (NM_000296.4).
Identifiers: ClinVar variation 997243 (VCV000997243.1), dbSNP rs2092536098, ClinGen allele CA394383372.